The following is an entry in ClinVar:

NM_001220.5(CAMK2B):c.1964del (p.Phe655fs)

Gene: CAMK2B (calcium/calmodulin dependent protein kinase II beta; minus strand). Cytogenetic location: 7p13.
Variant type: Deletion.
Coding change: c.1964del on transcript NM_001220.5 (MANE Select); coding-DNA position 1964, one base deleted (T; older notation c.1964delT).
Protein change: p.Phe655fs; shifts the reading frame from phenylalanine 655.
Molecular consequence: frameshift variant.
Genome position (GRCh38, 1-based): chr7:44,220,099, A deleted on the plus strand (T on the coding strand, the reverse complement: CAMK2B is on the minus strand); the first of 2 consecutive A bases (chr7:44,220,099-44,220,100); deleting either gives the same sequence. VCF-style (leftmost placement, unchanged base first): chr7-44220098-GA-G. GRCh37 (hg19) VCF-style: chr7-44259697-GA-G.
Other names: c.1592del, p.Phe531fs (NM_001293170.2, NM_172078.3); c.1520del, p.Phe507fs (NM_172079.3); c.1517del, p.Phe506fs (NM_172080.3); c.1475del, p.Phe492fs (NM_172081.3); c.1442del, p.Phe481fs (NM_172082.3); c.1403del, p.Phe468fs (NM_172083.3); c.1313del, p.Phe438fs (NM_172084.3); short protein forms F438fs, F468fs, F481fs, F492fs, F506fs, F507fs, F531fs, F655fs.
Identifiers: ClinVar variation 3602853 (VCV003602853.1).

ClinVar aggregate classification (germline): Uncertain significance (1 of 4 stars; one submission).

Submission:

GeneDx
Classification: Uncertain significance. Last evaluated: 2024-08-08. Review status: criteria provided, single submitter. Criteria: GeneDx Variant Classification Process June 2021. Collection method: clinical testing. Allele origin: germline. Affected: yes.
Comment: Not observed at significant frequency in large population cohorts (gnomAD); Frameshift variant predicted to result in abnormal protein length as the last 12 amino acids are replaced with 86 different amino acids in a gene for which loss-of-function is not an established mechanism of disease; Has not been previously published as pathogenic or benign to our knowledge